The following is an entry in ClinVar:

NM_000051.4(ATM):c.2999dup (p.Asn1000fs)

Gene: ATM (ATM serine/threonine kinase; plus strand). Cytogenetic location: 11q22.3.
Variant type: Duplication.
Coding change: c.2999dup on transcript NM_000051.4 (MANE Select); coding-DNA position 2999, one base duplicated (A; older notation c.2999dupA).
Protein change: p.Asn1000fs; shifts the reading frame from asparagine 1000.
Molecular consequence: frameshift variant.
Genome position (GRCh38, 1-based): chr11:108,271,328, A duplicated; the last of 5 consecutive A bases (chr11:108,271,324-108,271,328); duplicating any one gives the same sequence. VCF-style (leftmost placement, unchanged base first): chr11-108271323-G-GA. GRCh37 (hg19) VCF-style: chr11-108142050-G-GA.
Other names: c.2999dupA (NM_000051.3, NM_000051.4); c.2999dup, p.Asn1000fs (NM_001351834.2); short protein forms N1000fs.
Identifiers: ClinVar variation 370122 (VCV000370122.8), dbSNP rs1057516250, ClinGen allele CA16041396.
Genomic context (GRCh38, chr11:108,271,323, plus strand): 5'-TTTGTATCGTCGTGACCAAGATGTTTGTAAAACTATTTTAAACCATGTCCTTCATGTAGT[G>GA]AAAAACCTAGGTCAAAGCAATATGGACTCTGAGAACACAAGGGATGCTCAAGGACAGTTT-3'

ClinVar aggregate classification (germline): Pathogenic/Likely pathogenic. Review status: criteria provided, multiple submitters, no conflicts (2 of 4 stars). 4 submissions from 4 submitters: Pathogenic (1); Likely pathogenic (2). 1 of the submissions does not count toward it. Last evaluated 2025-09-29.

Conditions:
Ataxia-telangiectasia syndrome (AT). Also called: ATAXIA-TELANGIECTASIA, COMPLEMENTATION GROUP A; ATAXIA-TELANGIECTASIA, FRESNO VARIANT; Ataxia-telangiectasia; Ataxia telangiectasia (A-T); Cerebello-oculocutaneous telangiectasia; Immunodeficiency with ataxia telangiectasia. Identifiers: Orphanet 100, MedGen C0004135, MONDO:0008840, OMIM 208900.
Familial cancer of breast. Also called: Hereditary breast cancer; BREAST CANCER, FAMILIAL; hereditary breast carcinoma. Identifiers: Orphanet 227535, MedGen C0346153, MONDO:0016419, OMIM 114480. Disease mechanism: loss of function.

Submissions (4):

Otogenetics
Classification: Likely pathogenic for Familial cancer of breast; Ataxia-telangiectasia syndrome. Last evaluated: 2025-09-29. Review status: criteria provided, single submitter. Criteria: ACMG Guidelines, 2015. Collection method: clinical testing. Allele origin: germline.
Comment: PVS1: Frameshift indel introduces premature stop codon in gene with loss of function as mechanism of disease, predicted to undergo NMD; PM2: Variant not observed in gnomAD (<0.05% threshold)

Baylor Genetics
Classification: Likely pathogenic for Familial cancer of breast. Last evaluated: 2023-05-30. Review status: criteria provided, single submitter. Criteria: ACMG Guidelines, 2015. Collection method: clinical testing. Allele origin: unknown.

Labcorp Genetics (formerly Invitae), Labcorp
Classification: Pathogenic for Ataxia-telangiectasia syndrome. Last evaluated: 2022-07-25. Review status: criteria provided, single submitter. Criteria: Invitae Variant Classification Sherloc (09022015). Collection method: clinical testing. Allele origin: germline.
Comment: This sequence change creates a premature translational stop signal (p.Asn1000Lysfs*10) in the ATM gene. It is expected to result in an absent or disrupted protein product. Loss-of-function variants in ATM are known to be pathogenic (PMID: 23807571, 25614872). This variant is not present in population databases (gnomAD no frequency). This variant has not been reported in the literature in individuals affected with ATM-related conditions. ClinVar contains an entry for this variant (Variation ID: 370122). For these reasons, this variant has been classified as Pathogenic.

Counsyl
Classification: Likely pathogenic for Ataxia-telangiectasia syndrome. Last evaluated: 2015-11-30. Review status: no assertion criteria provided. Collection method: clinical testing. Allele origin: unknown. Not counted in ClinVar's aggregate classification.

Literature cited by the submitters: PubMed 23807571 (cited by Labcorp Genetics (formerly Invitae), Labcorp); PubMed 25614872 (cited by Labcorp Genetics (formerly Invitae), Labcorp).